The following is an entry in ClinVar:

ClinVar aggregate classification (germline): Uncertain significance (1 of 4 stars; one submission).

Conditions:
MEGF10-related myopathy (CMYO10A). Also called: Congenital myopathy 10A, severe variant. Identifiers: Orphanet 439212, MedGen C3280679, MONDO:0013731, OMIM 614399.

Allele frequency attached by ClinVar (database versions not stated): TOPMed below 0.00001.

Submission:

Labcorp Genetics (formerly Invitae), Labcorp
Classification: Uncertain significance for MEGF10-related myopathy. Last evaluated: 2022-07-11. Review status: criteria provided, single submitter. Criteria: Invitae Variant Classification Sherloc (09022015). Collection method: clinical testing. Allele origin: germline.
Comment: This variant is not present in population databases (gnomAD no frequency). This sequence change replaces threonine, which is neutral and polar, with isoleucine, which is neutral and non-polar, at codon 315 of the MEGF10 protein (p.Thr315Ile). This variant has not been reported in the literature in individuals affected with MEGF10-related conditions. In summary, the available evidence is currently insufficient to determine the role of this variant in disease. Therefore, it has been classified as a Variant of Uncertain Significance. Algorithms developed to predict the effect of missense changes on protein structure and function are either unavailable or do not agree on the potential impact of this missense change (SIFT: "Deleterious"; PolyPhen-2: "Benign"; Align-GVGD: "Class C0"). ClinVar contains an entry for this variant (Variation ID: 1009844).

NM_001256545.2(MEGF10):c.944C>T (p.Thr315Ile)

Gene: MEGF10 (multiple EGF like domains 10; plus strand). Cytogenetic location: 5q23.2.
Variant type: single nucleotide variant.
Coding change: c.944C>T on transcript NM_001256545.2 (MANE Select); coding-DNA position 944, C replaced by T.
Protein change: p.Thr315Ile; replaces threonine 315 with isoleucine.
Molecular consequence: missense variant.
Genome position (GRCh38, 1-based): chr5:127,410,415, C>T. VCF-style: chr5-127410415-C-T. GRCh37 (hg19) VCF-style: chr5-126746107-C-T.
Other names: c.944C>T, p.Thr315Ile (NM_001308119.2, NM_001308121.2, NM_032446.3); short protein forms T315I.
Identifiers: ClinVar variation 1009844 (VCV001009844.14), dbSNP rs1727704535, ClinGen allele CA360725699.